The following is an entry in ClinVar:

NM_002778.4(PSAP):c.250-141A>G

Gene: PSAP (prosaposin; minus strand). Cytogenetic location: 10q22.1.
Variant type: single nucleotide variant.
Coding change: c.250-141A>G on transcript NM_002778.4 (MANE Select); 141 bases into the intron before coding-DNA position 250, A replaced by G.
Molecular consequence: intron variant.
Genome position (GRCh38, 1-based): chr10:71,831,392, T>C on the plus strand (A>G on the coding strand, the complement: PSAP is on the minus strand). VCF-style: chr10-71831392-T-C. GRCh37 (hg19) VCF-style: chr10-73591149-T-C.
Other names: c.250-141A>G (NM_001042466.3, NM_001042465.3).
Identifiers: ClinVar variation 680721 (VCV000680721.1), dbSNP rs2854990, ClinGen allele CA13349036.

ClinVar aggregate classification (germline): Benign (1 of 4 stars; one submission).

Allele frequency attached by ClinVar (database versions not stated): 1000 Genomes Project 30x 0.38819; 1000 Genomes Project 0.38838; TOPMed 0.44830; gnomAD 0.46464 and 0.46518; gnomAD exomes 0.52293.
gnomAD v4.1: 541,344 of 1,052,830 alleles (51%); highest among the groups gnomAD compares: Middle Eastern, 57%; 143,728 homozygotes.

Submission:

GeneDx
Classification: Benign. Last evaluated: 2018-06-19. Review status: criteria provided, single submitter. Criteria: GeneDx Variant Classification (06012015). Collection method: clinical testing. Allele origin: germline. Affected: yes.
Comment: This variant is considered likely benign or benign based on one or more of the following criteria: it is a conservative change, it occurs at a poorly conserved position in the protein, it is predicted to be benign by multiple in silico algorithms, and/or has population frequency not consistent with disease.